The following is an entry in ClinVar:

ClinVar aggregate classification (germline): Uncertain significance. Review status: criteria provided, multiple submitters, no conflicts (2 of 4 stars). 4 submissions from 4 submitters: Uncertain significance (4). Last evaluated 2025-11-21.

Conditions:
Birt-Hogg-Dube syndrome. Also called: Birt Hogg Dubé syndrome. Identifiers: Orphanet 122, MedGen C0346010, MONDO:0800444.
Nonpapillary renal cell carcinoma. Identifiers: Orphanet 422526, MedGen CN074294, MONDO:0007763, OMIM 144700.
Familial spontaneous pneumothorax (PSP). Identifiers: Orphanet 2903, MedGen C1868193, MONDO:0008259, OMIM 173600.
17p11.2 microduplication syndrome (PTLS). Also called: CHROMOSOME 17p11.2 DUPLICATION SYNDROME; Potocki-Lupski syndrome; Duplication 17p11.2 syndrome; Potocki-Lupski syndrome (dup(17)(p11.2p11.2)). Identifiers: Orphanet 1713, MedGen C2931246, MONDO:0012574, OMIM 610883.
Colorectal cancer. Also called: Colorectal cancer, somatic; Malignant Colorectal Neoplasm. Identifiers: MedGen C0346629, MONDO:0005575, OMIM 114500.
Hereditary cancer-predisposing syndrome. Also called: Hereditary neoplastic syndrome; Neoplastic Syndromes, Hereditary; Hereditary Cancer Syndrome; Tumor predisposition. Identifiers: Orphanet 140162, MedGen C0027672, MeSH D009386, MONDO:0015356.

Allele frequency attached by ClinVar (database versions not stated): gnomAD exomes below 0.00001 and 0.00001; TOPMed below 0.00001; ExAC 0.00001; gnomAD 0.00001.
gnomAD v4.1: 21 of 1,613,360 alleles (0.0013%); highest among the groups gnomAD compares: Non-Finnish European, 0.0016%; no homozygotes.

Submissions (4):

Labcorp Genetics (formerly Invitae), Labcorp
Classification: Uncertain significance for Birt-Hogg-Dube syndrome. Last evaluated: 2025-11-21. Review status: criteria provided, single submitter. Criteria: Invitae Variant Classification Sherloc (09022015). Collection method: clinical testing. Allele origin: germline.
Comment: This sequence change replaces arginine, which is basic and polar, with glutamine, which is neutral and polar, at codon 194 of the FLCN protein (p.Arg194Gln). The frequency data for this variant in the population databases is considered unreliable, as metrics indicate poor data quality at this position in the gnomAD database. This variant has not been reported in the literature in individuals affected with FLCN-related conditions. ClinVar contains an entry for this variant (Variation ID: 572906). Invitae Evidence Modeling of protein sequence and biophysical properties (such as structural, functional, and spatial information, amino acid conservation, physicochemical variation, residue mobility, and thermodynamic stability) indicates that this missense variant is not expected to disrupt FLCN protein function with a negative predictive value of 80%. In summary, the available evidence is currently insufficient to determine the role of this variant in disease. Therefore, it has been classified as a Variant of Uncertain Significance.

Ambry Genetics
Classification: Uncertain significance for Hereditary cancer-predisposing syndrome. Last evaluated: 2024-09-18. Review status: criteria provided, single submitter. Criteria: Ambry Variant Classification Scheme 2023. Collection method: clinical testing. Allele origin: germline.
Comment: The p.R194Q variant (also known as c.581G>A), located in coding exon 3 of the FLCN gene, results from a G to A substitution at nucleotide position 581. The arginine at codon 194 is replaced by glutamine, an amino acid with highly similar properties. This amino acid position is well conserved in available vertebrate species. In addition, the in silico prediction for this alteration is inconclusive. Since supporting evidence is limited at this time, the clinical significance of this alteration remains unclear.

GeneDx
Classification: Uncertain significance. Last evaluated: 2024-06-13. Review status: criteria provided, single submitter. Criteria: GeneDx Variant Classification Process June 2021. Collection method: clinical testing. Allele origin: germline. Affected: yes.
Comment: Not observed at significant frequency in large population cohorts (gnomAD); In silico analysis indicates that this missense variant does not alter protein structure/function; Has not been previously published as pathogenic or benign to our knowledge

Fulgent Genetics
Classification: Uncertain significance for Colorectal cancer; Birt-Hogg-Dube syndrome 1; Nonpapillary renal cell carcinoma; Familial spontaneous pneumothorax; 17p11.2 microduplication syndrome. Last evaluated: 2021-11-05. Review status: criteria provided, single submitter. Criteria: ACMG Guidelines, 2015. Collection method: clinical testing. Allele origin: unknown.

NM_144997.7(FLCN):c.581G>A (p.Arg194Gln)

Gene: FLCN (folliculin; minus strand). Cytogenetic location: 17p11.2.
Variant type: single nucleotide variant.
Coding change: c.581G>A on transcript NM_144997.7 (MANE Select); coding-DNA position 581, G replaced by A.
Protein change: p.Arg194Gln; replaces arginine 194 with glutamine.
Molecular consequence: missense variant.
Genome position (GRCh38, 1-based): chr17:17,223,959, C>T on the plus strand (G>A on the coding strand, the complement: FLCN is on the minus strand). VCF-style: chr17-17223959-C-T. GRCh37 (hg19) VCF-style: chr17-17127273-C-T.
Other names: c.635G>A, p.Arg212Gln (NM_001353229.2); c.581G>A, p.Arg194Gln (NM_001353230.2, NM_001353231.2, NM_144606.7); c.581G>A (LRG_325t1); short protein forms R194Q, R212Q.
Identifiers: ClinVar variation 572906 (VCV000572906.14), dbSNP rs756807584, ClinGen allele CA8416379.
Genomic context (GRCh38, chr17:17,223,959, plus strand): 5'-CGGCACCTCATCTCTGAATTCACCTTGAGCGCCTTGCCCTGGAGCTCATCGATGATTCCC[C>T]GGACCTTCCCCAGCAGGAAGGGCCAGGAGTTGATGAGGTAGATCCGGTCCATCATGATGG-3'
Protein context (NP_659434.2, residues 184-204): NSWPFLLGKV[Arg194Gln]GIIDELQGKA